The following is an entry in ClinVar:

ClinVar aggregate classification (germline): Uncertain significance (1 of 4 stars; one submission).

Conditions:
Early-infantile DEE. Also called: Ohtahara syndrome; Early infantile epileptic encephalopathy with suppression bursts; Early infantile epileptic encephalopathy. Identifiers: Orphanet 1934, MedGen C0393706, MONDO:0800491.

Allele frequency attached by ClinVar (database versions not stated): gnomAD exomes 0.00001; TOPMed 0.00001; gnomAD 0.00002; ExAC 0.00003; ESP Exome Variant Server 0.00008.
gnomAD v4.1: 25 of 1,613,394 alleles (0.0015%); highest among the groups gnomAD compares: Non-Finnish European, 0.0019%; no homozygotes.

Submission:

Labcorp Genetics (formerly Invitae), Labcorp
Classification: Uncertain significance for Early-infantile DEE. Last evaluated: 2025-09-02. Review status: criteria provided, single submitter. Criteria: Invitae Variant Classification Sherloc (09022015). Collection method: clinical testing. Allele origin: germline.
Comment: This sequence change replaces valine, which is neutral and non-polar, with leucine, which is neutral and non-polar, at codon 549 of the CACNA2D2 protein (p.Val549Leu). This variant is present in population databases (rs138752083, gnomAD 0.004%). This variant has not been reported in the literature in individuals affected with CACNA2D2-related conditions. ClinVar contains an entry for this variant (Variation ID: 1921637). An algorithm developed to predict the effect of missense changes on protein structure and function (PolyPhen-2) suggests that this variant is likely to be tolerated. In summary, the available evidence is currently insufficient to determine the role of this variant in disease. Therefore, it has been classified as a Variant of Uncertain Significance.

NM_006030.4(CACNA2D2):c.1645G>C (p.Val549Leu)

Gene: CACNA2D2 (calcium voltage-gated channel auxiliary subunit alpha2delta 2; minus strand). Cytogenetic location: 3p21.31.
Variant type: single nucleotide variant.
Coding change: c.1645G>C on transcript NM_006030.4 (MANE Select); coding-DNA position 1645, G replaced by C.
Protein change: p.Val549Leu; replaces valine 549 with leucine.
Molecular consequence: missense variant.
Genome position (GRCh38, 1-based): chr3:50,376,170, C>G on the plus strand (G>C on the coding strand, the complement: CACNA2D2 is on the minus strand). VCF-style: chr3-50376170-C-G. GRCh37 (hg19) VCF-style: chr3-50413601-C-G.
Other names: c.1645G>C, p.Val549Leu (NM_001005505.3, NM_001174051.3, NM_001410768.1); c.1438G>C, p.Val480Leu (NM_001291101.1); short protein forms V480L, V549L.
Identifiers: ClinVar variation 1921637 (VCV001921637.3), dbSNP rs138752083, ClinGen allele CA2418780.